The following is an entry in ClinVar:

NC_000015.9:g.(?_28171253)_(28171420_?)dup

Gene: OCA2 (OCA2 melanosomal transmembrane protein; minus strand). Cytogenetic location: 15q13.1.
Variant type: Duplication.
Identifiers: ClinVar variation 2422776 (VCV002422776.4).

ClinVar aggregate classification (germline): Pathogenic (1 of 4 stars; one submission).

Submission:

Labcorp Genetics (formerly Invitae), Labcorp
Classification: Pathogenic. Last evaluated: 2022-08-23. Review status: criteria provided, single submitter. Criteria: Invitae Variant Classification Sherloc (09022015). Collection method: clinical testing. Allele origin: germline.
Comment: This variant results in a copy number gain of the genomic region encompassing exon(s) 19 of the OCA2 gene. While the exact position of this variant cannot be determined from the data, sub-genic copy number gains are generally in tandem (PMID: 25640679). This variant is predicted to be out-of-frame, and may result in an absent or disrupted protein product. Loss-of-function variants in OCA2 are known to be pathogenic (PMID: 19865097, 21541274). A similar copy number variant has been observed in individual(s) with clinical features of ocular albinism (Invitae). In at least one individual the data is consistent with being in trans (on the opposite chromosome) from a pathogenic variant. For these reasons, this variant has been classified as Pathogenic.

Literature cited by the submitters: PubMed 25640679; PubMed 19865097; PubMed 21541274.